The following is an entry in ClinVar:

ClinVar aggregate classification (germline): Benign/Likely benign. Review status: criteria provided, multiple submitters, no conflicts (2 of 4 stars). 6 submissions from 6 submitters: Benign (1); Likely benign (3). 2 of the submissions do not count toward it. Last evaluated 2026-01-22.

Conditions:
Congenital adrenal hypoplasia, X-linked (AHC). Also called: X-linked AHC; X-Linked Adrenal Hypoplasia Congenita; ADRENAL HYPOPLASIA, CONGENITAL, WITH HYPOGONADOTROPIC HYPOGONADISM; Isolated X-Linked Adrenal Hypoplasia Congenita. Identifiers: Orphanet 95702, MedGen C0342482, MONDO:0010264, OMIM 300200. Disease mechanism: loss of function.
46,XY sex reversal 2. Also called: 46,XY SEX REVERSAL, DAX1-RELATED; 46XY sex reversal 2, dosage-sensitive; Dosage-sensitive sex reversal; NR0B1-Related 46,XY CGD; NR0B1-related 46,XY complete gonadal dysgenesis. Identifiers: MedGen C1848296, MONDO:0010226, OMIM 300018.

Allele frequency attached by ClinVar (database versions not stated): ExAC 0.00022; gnomAD exomes 0.00023; TOPMed 0.00033; gnomAD 0.00037 and 0.00039.
gnomAD v4.1: 525 of 1,195,070 alleles (0.044%); highest among the groups gnomAD compares: Non-Finnish European, 0.058%; 1 homozygote.

Submissions (6):

Labcorp Genetics (formerly Invitae), Labcorp
Classification: Benign for Congenital adrenal hypoplasia, X-linked; 46,XY sex reversal 2. Last evaluated: 2026-01-22. Review status: criteria provided, single submitter. Criteria: Invitae Variant Classification Sherloc (09022015). Collection method: clinical testing. Allele origin: germline.

CeGaT Center for Human Genetics Tuebingen
Classification: Likely benign. Last evaluated: 2024-07-01. Review status: criteria provided, single submitter. Criteria: CeGaT Center For Human Genetics Tuebingen Variant Classification Criteria Version 2. Collection method: clinical testing. Allele origin: germline. Affected: yes. Observed: 1 variant allele.
Comment: NR0B1: BS2

Fulgent Genetics
Classification: Likely benign for 46,XY sex reversal 2; Congenital adrenal hypoplasia, X-linked. Last evaluated: 2021-07-29. Review status: criteria provided, single submitter. Criteria: ACMG Guidelines, 2015. Collection method: clinical testing. Allele origin: unknown.

Victorian Clinical Genetics Services, Murdoch Childrens Research Institute
Classification: Likely benign for Congenital adrenal hypoplasia, X-linked. Last evaluated: 2021-05-06. Review status: criteria provided, single submitter. Criteria: ACMG Guidelines, 2015. Collection method: clinical testing. Allele origin: germline.
Comment: Based on the classification scheme VCGS_Germline_v1.3.4, this variant is classified as likely benign. Following criteria are met: 0308 - Population frequency for this variant is out of keeping with known incidence of congenital adrenal hypoplasia (MIM# 300200). (SB) 0805 - This variant has strong previous evidence of being benign in unrelated individuals. This variant has previously been reported as benign and likely benign multiple times (ClinVar; LOVD). (SB) Legend: (SP) - Supporting pathogenic, (I) - Information, (SB) - Supporting benign

Clinical Genetics DNA and cytogenetics Diagnostics Lab, Erasmus MC, Erasmus Medical Center
Classification: Likely benign. Review status: no assertion criteria provided. Collection method: clinical testing. Allele origin: germline. Affected: yes. Study: VKGL Data-share Consensus. Not counted in ClinVar's aggregate classification.

Genome Diagnostics Laboratory, University Medical Center Utrecht
Classification: Likely benign. Review status: no assertion criteria provided. Collection method: clinical testing. Allele origin: germline. Affected: yes. Study: VKGL Data-share Consensus. Not counted in ClinVar's aggregate classification.

Literature cited by the submitters: PubMed 16459121 (cited by Victorian Clinical Genetics Services, Murdoch Childrens Research Institute).

NM_000475.5(NR0B1):c.600C>G (p.Cys200Trp)

Gene: NR0B1 (nuclear receptor subfamily 0 group B member 1; minus strand). Cytogenetic location: Xp21.2.
Variant type: single nucleotide variant.
Coding change: c.600C>G on transcript NM_000475.5 (MANE Select); coding-DNA position 600, C replaced by G.
Protein change: p.Cys200Trp; replaces cysteine 200 with tryptophan.
Molecular consequence: missense variant.
Genome position (GRCh38, 1-based): chrX:30,308,764, G>C on the plus strand (C>G on the coding strand, the complement: NR0B1 is on the minus strand). VCF-style: chrX-30308764-G-C. GRCh37 (hg19) VCF-style: chrX-30326881-G-C.
Other names: short protein forms C200W.
Identifiers: ClinVar variation 766785 (VCV000766785.27), dbSNP rs143141578, ClinGen allele CA10376369.